The following is an entry in ClinVar:

ClinVar aggregate classification (germline): Uncertain significance (1 of 4 stars; one submission).

Conditions:
Kleefstra syndrome 1 (KLEFS1). Identifiers: Orphanet 261494, MedGen C0795833, MONDO:0027407, OMIM 610253.

gnomAD v4.1: 5 of 1,607,210 alleles (0.00031%); highest among the groups gnomAD compares: Non-Finnish European, 0.00043%; no homozygotes.

Submission:

Labcorp Genetics (formerly Invitae), Labcorp
Classification: Uncertain significance for Kleefstra syndrome 1. Last evaluated: 2025-06-05. Review status: criteria provided, single submitter. Criteria: Invitae Variant Classification Sherloc (09022015). Collection method: clinical testing. Allele origin: germline.
Comment: This sequence change replaces threonine, which is neutral and polar, with serine, which is neutral and polar, at codon 154 of the EHMT1 protein (p.Thr154Ser). This variant is not present in population databases (gnomAD no frequency). This variant has not been reported in the literature in individuals affected with EHMT1-related conditions. This missense change has been observed in at least one individual who was not affected with EHMT1-related conditions (internal data). ClinVar contains an entry for this variant (Variation ID: 3709256). An algorithm developed to predict the effect of missense changes on protein structure and function (PolyPhen-2) suggests that this variant is likely to be tolerated. In summary, the available evidence is currently insufficient to determine the role of this variant in disease. Therefore, it has been classified as a Variant of Uncertain Significance.

NM_024757.5(EHMT1):c.460A>T (p.Thr154Ser)

Gene: EHMT1 (euchromatic histone lysine methyltransferase 1; plus strand). Cytogenetic location: 9q34.3.
Variant type: single nucleotide variant.
Coding change: c.460A>T on transcript NM_024757.5 (MANE Select); coding-DNA position 460, A replaced by T.
Protein change: p.Thr154Ser; replaces threonine 154 with serine.
Molecular consequence: missense variant.
Genome position (GRCh38, 1-based): chr9:137,717,000, A>T. VCF-style: chr9-137717000-A-T. GRCh37 (hg19) VCF-style: chr9-140611452-A-T.
Other names: c.460A>T, p.Thr154Ser (NM_001145527.2, NM_001354263.2, NM_001354611.2); c.367A>T, p.Thr123Ser (NM_001354259.2, NM_001354612.2); short protein forms T123S, T154S.
Identifiers: ClinVar variation 3709256 (VCV003709256.2).